The following is an entry in ClinVar:

NM_006147.4(IRF6):c.820G>A (p.Val274Ile)

Gene: IRF6 (interferon regulatory factor 6; minus strand). Cytogenetic location: 1q32.2.
Variant type: single nucleotide variant.
Coding change: c.820G>A on transcript NM_006147.4 (MANE Select); coding-DNA position 820, G replaced by A.
Protein change: p.Val274Ile; replaces valine 274 with isoleucine.
Molecular consequence: missense variant.
Genome position (GRCh38, 1-based): chr1:209,790,735, C>T on the plus strand (G>A on the coding strand, the complement: IRF6 is on the minus strand). VCF-style: chr1-209790735-C-T. GRCh37 (hg19) VCF-style: chr1-209964080-C-T.
Other names: c.535G>A, p.Val179Ile (NM_001206696.2); short protein forms V274I, V179I.
Identifiers: ClinVar variation 259928 (VCV000259928.18), dbSNP rs2235371, ClinGen allele CA1377242.

ClinVar aggregate classification (germline): Benign. Review status: criteria provided, multiple submitters, no conflicts (2 of 4 stars). 7 submissions from 6 submitters: Benign (7). Last evaluated 2026-02-02.

Conditions:
Orofacial cleft 6, susceptibility to (OFC6). Also called: CLEFT LIP WITH OR WITHOUT CLEFT PALATE, NONSYNDROMIC, 6. Identifiers: MedGen C1837213, MONDO:0012141, OMIM 608864.
Popliteal pterygium syndrome (PPS). Identifiers: Orphanet 294963, MedGen C0265259, MONDO:0017435.
Van der Woude syndrome. Identifiers: Orphanet 888, MedGen C0175697, MONDO:0019508.
Van der Woude syndrome 1. Also called: CLEFT LIP AND/OR PALATE WITH MUCOUS CYSTS OF LOWER LIP; van der Woude Syndrome (VWS). Identifiers: MedGen C4551864, MONDO:0007333, OMIM 119300.

Allele frequency attached by ClinVar (database versions not stated): gnomAD exomes 0.03584 and 0.08669; gnomAD 0.03768 and 0.04491; TOPMed 0.05721; ExAC 0.07658; 1000 Genomes Project 30x 0.12648; 1000 Genomes Project 0.13259.
gnomAD v4.1: 59,670 of 1,614,178 alleles (3.7%); highest among the groups gnomAD compares: East Asian, 41%; 6,385 homozygotes.

Submissions (7):

Labcorp Genetics (formerly Invitae), Labcorp
Classification: Benign for Orofacial cleft 6, susceptibility to; Van der Woude syndrome; Popliteal pterygium syndrome. Last evaluated: 2026-02-02. Review status: criteria provided, single submitter. Criteria: Invitae Variant Classification Sherloc (09022015). Collection method: clinical testing. Allele origin: germline.

Blueprint Genetics
Classification: Benign. Last evaluated: 2024-11-26. Review status: criteria provided, single submitter. Criteria: ACMG Guidelines, 2015. Collection method: clinical testing. Allele origin: germline.

Illumina Laboratory Services, Illumina
Classification: Benign for Orofacial cleft 6, susceptibility to. Last evaluated: 2017-04-27. Review status: criteria provided, single submitter. Criteria: ICSL Variant Classification Criteria 13 December 2019. Collection method: clinical testing. Allele origin: germline.
Comment: This variant was observed as part of a predisposition screen in an ostensibly healthy population. A literature search was performed for the gene, cDNA change, and amino acid change (where applicable). Publications were found based on this search. The evidence from the literature, in combination with allele frequency data from public databases where available, was sufficient to rule this variant out of causing disease. Therefore, this variant is classified as benign.

Illumina Laboratory Services, Illumina
Classification: Benign for Van der Woude syndrome 1. Last evaluated: 2017-04-27. Review status: criteria provided, single submitter. Criteria: ICSL Variant Classification Criteria 13 December 2019. Collection method: clinical testing. Allele origin: germline.
Comment: This variant was observed as part of a predisposition screen in an ostensibly healthy population. A literature search was performed for the gene, cDNA change, and amino acid change (where applicable). No publications were found based on this search. Allele frequency data from public databases was too high to be consistent with this variant causing disease. Therefore, this variant is classified as benign.

GeneDx
Classification: Benign. Last evaluated: 2015-03-03. Review status: criteria provided, single submitter. Criteria: GeneDx Variant Classification Process June 2021. Collection method: clinical testing. Allele origin: germline. Affected: yes.
Comment: This variant is associated with the following publications: (PMID: 20799332, 23949966, 19115793, 20121942, 18278815, 19419265, 19036739, 15994871, 15317890, 30462859)

Breakthrough Genomics
Classification: Benign. Review status: criteria provided, single submitter. Criteria: ACMG Guidelines, 2015. Collection method: not provided. Allele origin: germline. Inheritance: Autosomal dominant inheritance. Affected: yes.

PreventionGenetics, part of Exact Sciences
Classification: Benign. Review status: criteria provided, single submitter. Criteria: ACMG Guidelines, 2015. Collection method: clinical testing. Allele origin: germline.

Literature cited by the submitters: PubMed 19036739 (cited by Illumina Laboratory Services, Illumina); PubMed 15317890 (cited by Illumina Laboratory Services, Illumina).